The following is an entry in ClinVar:

ClinVar aggregate classification (germline): Likely pathogenic (1 of 4 stars; one submission).

Conditions:
Intellectual disability, X-linked 102 (MRXSSB). Also called: Intellectual developmental disorder, X-linked syndromic, Snijders Blok type. Identifiers: Orphanet 457260, MedGen C5393299, MONDO:0010497, OMIM 300958.

Submission:

Victorian Clinical Genetics Services, Murdoch Childrens Research Institute
Classification: Likely pathogenic for Intellectual disability, X-linked 102. Last evaluated: 2022-02-02. Review status: criteria provided, single submitter. Criteria: ACMG Guidelines, 2015. Collection method: clinical testing. Allele origin: germline. Inheritance: X-linked dominant inheritance.
Comment: Based on the classification scheme VCGS_Germline_v1.3.4, this variant is classified as Likely Pathogenic. Following criteria are met: 0102 - Loss of function is a known mechanism of disease in this gene and is associated with DDX3X-related intellectual disability (MIM#300958). (I) 0110 - This gene is associated with X-linked disease (PMID: 26235985). (I) 0211 - Canonical splice site variant without proven consequence on splicing (no functional evidence available). (SP) 0251 - This variant is heterozygous. (I) 0301 - Variant is absent from gnomAD (both v2 and v3). (SP) 0505 - Abnormal splicing is predicted by in silico tools and affected nucleotide is highly conserved. (SP) 0704 - Another canonical splice site variant comparable to the one identified in this case has limited previous evidence for pathogenicity. The c.1315+1G>C has been reported likely pathogenic (ClinVar, LOVD). (SP) 0807 - This variant has no previous evidence of pathogenicity. (I) 0905 - No published segregation evidence has been identified for this variant. (I) 1007 - No published functional evidence has been identified for this variant. (SP) Legend: (SP) - Supporting pathogenic, (I) - Information, (SB) - Supporting benign

Literature cited by the submitters: PubMed 26235985.

NM_001356.5(DDX3X):c.1315+1G>A

Gene: DDX3X (DEAD-box helicase 3 X-linked; plus strand). Cytogenetic location: Xp11.4.
Variant type: single nucleotide variant.
Coding change: c.1315+1G>A on transcript NM_001356.5 (MANE Select); the canonical splice donor site of the intron after coding-DNA position 1315, G replaced by A.
Molecular consequence: splice donor variant.
Genome position (GRCh38, 1-based): chrX:41,345,549, G>A. VCF-style: chrX-41345549-G-A. GRCh37 (hg19) VCF-style: chrX-41204802-G-A.
Other names: c.1315+1G>A (NM_001193416.3); c.1267+1G>A (NM_001193417.3); c.757+1G>A (NM_001363819.1).
Identifiers: ClinVar variation 1698985 (VCV001698985.3), dbSNP rs2063911832, ClinGen allele CA412773774.